The following is an entry in ClinVar:

NM_000168.6(GLI3):c.3373G>A (p.Gly1125Arg)

Gene: GLI3 (GLI family zinc finger 3; minus strand). Cytogenetic location: 7p14.1.
Variant type: single nucleotide variant.
Coding change: c.3373G>A on transcript NM_000168.6 (MANE Select); coding-DNA position 3373, G replaced by A.
Protein change: p.Gly1125Arg; replaces glycine 1125 with arginine.
Molecular consequence: missense variant.
Genome position (GRCh38, 1-based): chr7:41,965,700, C>T on the plus strand (G>A on the coding strand, the complement: GLI3 is on the minus strand). VCF-style: chr7-41965700-C-T. GRCh37 (hg19) VCF-style: chr7-42005298-C-T.
Other names: short protein forms G1125R.
Identifiers: ClinVar variation 4986211 (VCV004986211.1).
Genomic context (GRCh38, chr7:41,965,700, plus strand): 5'-CATGGAACTGCTGGCCAGCGTGGCTGTCTGGCAGCCCGGGCGCGTCAAAGTCACCGGGCC[C>T]GTGGGGCACTTTGCTGTCGTCCGGGAGGGCGCTGGGGAAGTGCTGCTCGTACCCTGCTTG-3'
Protein context (NP_000159.3, residues 1115-1135): ALPDDSKVPH[Gly1125Arg]PGDFDAPGLP

ClinVar aggregate classification (germline): Uncertain significance (1 of 4 stars; one submission).

Conditions:
GLI3-related disorder. Also called: GLI3-related condition; GLI3-related disorders. Identifiers: MedGen CN239292.

gnomAD v4.1: 3 of 1,613,694 alleles (0.00019%); highest among the groups gnomAD compares: Non-Finnish European, 0.000085%; no homozygotes.

Submission:

PreventionGenetics, part of Exact Sciences
Classification: Uncertain significance for GLI3-related condition. Last evaluated: 2025-05-11. Review status: criteria provided, single submitter. Criteria: ACMG Guidelines, 2015. Collection method: clinical testing. Allele origin: germline.
Comment: The GLI3 c.3373G>A variant is predicted to result in the amino acid substitution p.Gly1125Arg. To our knowledge, this variant has not been reported in the literature. This variant is reported in 0.0046% of alleles in individuals of European (Finnish) descent in gnomAD. At this time, the clinical significance of this variant is uncertain due to the absence of conclusive functional and genetic evidence.